The following is an entry in ClinVar:

NM_001271938.2(MEGF8):c.3626G>A (p.Arg1209Gln)

Gene: MEGF8 (multiple EGF like domains 8; plus strand). Cytogenetic location: 19q13.2.
Variant type: single nucleotide variant.
Coding change: c.3626G>A on transcript NM_001271938.2 (MANE Select); coding-DNA position 3626, G replaced by A.
Protein change: p.Arg1209Gln; replaces arginine 1209 with glutamine.
Molecular consequence: missense variant.
Genome position (GRCh38, 1-based): chr19:42,353,540, G>A. VCF-style: chr19-42353540-G-A. GRCh37 (hg19) VCF-style: chr19-42857692-G-A.
Other names: c.3425G>A, p.Arg1142Gln (NM_001410.3); short protein forms R1142Q, R1209Q.
Identifiers: ClinVar variation 1201645 (VCV001201645.7), dbSNP rs556378666, ClinGen allele CA9475036.

ClinVar aggregate classification (germline): Conflicting classifications of pathogenicity. Review status: criteria provided, conflicting classifications (1 of 4 stars). 3 submissions from 3 submitters: Uncertain significance (2); Likely benign (1). Last evaluated 2026-07-01.

Conditions:
Inborn genetic diseases. Identifiers: MedGen C0950123, MeSH D030342.

Allele frequency attached by ClinVar (database versions not stated): ExAC 0.00015; 1000 Genomes Project 30x 0.00016; gnomAD exomes 0.00017 and 0.00041; TOPMed 0.00017; 1000 Genomes Project 0.00020; gnomAD 0.00024.
gnomAD v4.1: 636 of 1,606,126 alleles (0.04%); highest among the groups gnomAD compares: Non-Finnish European, 0.049%; 1 homozygote.

Submissions (3):

CeGaT Center for Human Genetics Tuebingen
Classification: Likely benign. Last evaluated: 2026-07-01. Review status: criteria provided, single submitter. Criteria: CeGaT Center For Human Genetics Tuebingen Variant Classification Criteria Version 2. Collection method: clinical testing. Allele origin: germline. Affected: yes. Observed: 1 variant allele.
Comment: MEGF8: BP4

Ambry Genetics
Classification: Uncertain significance for Inborn genetic diseases. Last evaluated: 2025-12-04. Review status: criteria provided, single submitter. Criteria: Ambry Variant Classification Scheme 2023. Collection method: clinical testing. Allele origin: germline.

GeneDx
Classification: Uncertain significance. Last evaluated: 2021-02-08. Review status: criteria provided, single submitter. Criteria: GeneDx Variant Classification Process June 2021. Collection method: clinical testing. Allele origin: germline. Affected: yes.
Comment: In silico analysis supports that this missense variant does not alter protein structure/function; Has not been previously published as pathogenic or benign to our knowledge